The following is an entry in ClinVar:

ClinVar aggregate classification (germline): Likely benign (1 of 4 stars; one submission).

Allele frequency attached by ClinVar (database versions not stated): gnomAD exomes below 0.00001; ExAC 0.00001.
gnomAD v4.1: 3 of 1,613,894 alleles (0.00019%); highest among the groups gnomAD compares: South Asian, 0.0033%; no homozygotes.

Submission:

CeGaT Center for Human Genetics Tuebingen
Classification: Likely benign. Last evaluated: 2022-11-01. Review status: criteria provided, single submitter. Criteria: CeGaT Center For Human Genetics Tuebingen Variant Classification Criteria Version 2. Collection method: clinical testing. Allele origin: germline. Affected: yes. Observed: 1 variant allele.
Comment: USP34: BP4, BP7

NM_014709.4(USP34):c.1122G>C (p.Val374=)

Gene: USP34 (ubiquitin specific peptidase 34; minus strand). Cytogenetic location: 2p15.
Variant type: single nucleotide variant.
Coding change: c.1122G>C on transcript NM_014709.4 (MANE Select); coding-DNA position 1122, G replaced by C.
Protein change: p.Val374=; no amino-acid change (valine 374 retained).
Molecular consequence: synonymous variant.
Genome position (GRCh38, 1-based): chr2:61,370,534, C>G on the plus strand (G>C on the coding strand, the complement: USP34 is on the minus strand). VCF-style: chr2-61370534-C-G. GRCh37 (hg19) VCF-style: chr2-61597669-C-G.
Identifiers: ClinVar variation 2650986 (VCV002650986.24), dbSNP rs754894884, ClinGen allele CA1677618.